The following is an entry in ClinVar:

ClinVar aggregate classification (germline): Uncertain significance (1 of 4 stars; one submission).

Submission:

GeneDx
Classification: Uncertain significance. Last evaluated: 2019-09-13. Review status: criteria provided, single submitter. Criteria: GeneDx Variant Classification Process June 2021. Collection method: clinical testing. Allele origin: germline. Affected: yes.
Comment: Not observed in large population cohorts (Lek et al., 2016); In silico analysis, which includes protein predictors and evolutionary conservation, supports a deleterious effect; Has not been previously published as pathogenic or benign to our knowledge

NM_001127178.3(PIGG):c.1669G>C (p.Gly557Arg)

Gene: PIGG (phosphatidylinositol glycan anchor biosynthesis class G (EMM blood group); plus strand). Cytogenetic location: 4p16.3.
Variant type: single nucleotide variant.
Coding change: c.1669G>C on transcript NM_001127178.3 (MANE Select); coding-DNA position 1669, G replaced by C.
Protein change: p.Gly557Arg; replaces glycine 557 with arginine.
Molecular consequence: missense variant. On other transcripts: non-coding transcript variant (7).
Genome position (GRCh38, 1-based): chr4:523,513, G>C. VCF-style: chr4-523513-G-C. GRCh37 (hg19) VCF-style: chr4-517302-G-C.
Other names: c.1402G>C, p.Gly468Arg (NM_001289051.2, NM_001345986.2); c.1270G>C, p.Gly424Arg (NM_001289052.2); c.1378G>C, p.Gly460Arg (NM_001345987.2); c.640G>C, p.Gly214Arg (NM_001345988.2); c.136G>C, p.Gly46Arg (NM_001345990.2, NM_001345991.2); c.571G>C, p.Gly191Arg (NM_001345994.2); c.1645G>C, p.Gly549Arg (NM_017733.5); short protein forms G191R, G214R, G424R, G460R, G468R, G46R, G549R, G557R.
Identifiers: ClinVar variation 1312254 (VCV001312254.2), dbSNP rs2108965531, ClinGen allele CA355906621.